The following is an entry in ClinVar:

ClinVar aggregate classification (germline): Pathogenic/Likely pathogenic. Review status: criteria provided, multiple submitters, no conflicts (2 of 4 stars). 2 submissions from 2 submitters: Pathogenic (1); Likely pathogenic (1). Last evaluated 2025-12-23.

Conditions:
Mucopolysaccharidosis type 6 (MPS6). Also called: N-ACETYLGALACTOSAMINE-4-SULFATASE DEFICIENCY; MPS VI; ARSB DEFICIENCY; ARYLSULFATASE B DEFICIENCY; MPS 6; Maroteaux Lamy syndrome. Identifiers: Orphanet 583, MedGen C0026709, MONDO:0009661, OMIM 253200.

gnomAD v4.1: 1 of 1,614,170 alleles (0.000062%); highest among the groups gnomAD compares: South Asian, 0.0011%; no homozygotes.

Submissions (2):

Foundation for Research in Genetics and Endocrinology, FRIGE's Institute of Human Genetics
Classification: Pathogenic for Mucopolysaccharidosis type 6. Last evaluated: 2025-12-23. Review status: criteria provided, single submitter. Criteria: ACMG Guidelines, 2015. Collection method: clinical testing. Allele origin: germline. Inheritance: Autosomal recessive inheritance. Affected: yes. Observed: 1 homozygote.
Comment: A homozygous missense variant in exon 5 of the ARSB gene that results in the amino acid substitution of Arginine for Glycine at codon 328 was detected. The observed variant c.982G>A has not been reported in the 1000 genomes and gnomAD databases. The in-silico prediction of the variant is deleterious by MutationTaster2 and DANN. In summary, the variant meets our criteria to be classified as pathogenic.

Baylor Genetics
Classification: Likely pathogenic for Mucopolysaccharidosis type 6. Last evaluated: 2022-07-13. Review status: criteria provided, single submitter. Criteria: ACMG Guidelines, 2015. Collection method: clinical testing. Allele origin: unknown.

NM_000046.5(ARSB):c.982G>A (p.Gly328Arg)

Gene: ARSB (arylsulfatase B; minus strand). Cytogenetic location: 5q14.1.
Variant type: single nucleotide variant.
Coding change: c.982G>A on transcript NM_000046.5 (MANE Select); coding-DNA position 982, G replaced by A.
Protein change: p.Gly328Arg; replaces glycine 328 with arginine.
Molecular consequence: missense variant.
Genome position (GRCh38, 1-based): chr5:78,885,744, C>T on the plus strand (G>A on the coding strand, the complement: ARSB is on the minus strand). VCF-style: chr5-78885744-C-T. GRCh37 (hg19) VCF-style: chr5-78181567-C-T.
Other names: p.Gly328Arg; c.982G>A, p.Gly328Arg (NM_198709.3); short protein forms G328R.
Identifiers: ClinVar variation 2678570 (VCV002678570.1), dbSNP rs748454316, ClinGen allele CA360343241.